The following is an entry in ClinVar:

NM_021232.2(PRODH2):c.599A>G (p.Asn200Ser)

Gene: PRODH2 (proline dehydrogenase 2; minus strand). Cytogenetic location: 19q13.12.
Variant type: single nucleotide variant.
Coding change: c.599A>G on transcript NM_021232.2 (MANE Select); coding-DNA position 599, A replaced by G.
Protein change: p.Asn200Ser; replaces asparagine 200 with serine.
Molecular consequence: missense variant.
Genome position (GRCh38, 1-based): chr19:35,807,120, T>C on the plus strand (A>G on the coding strand, the complement: PRODH2 is on the minus strand). VCF-style: chr19-35807120-T-C. GRCh37 (hg19) VCF-style: chr19-36298022-T-C.
Other names: c.599A>G, p.Asn200Ser (NM_001378292.1, NM_001378293.1, NM_001378294.1); short protein forms N200S.
Identifiers: ClinVar variation 3056564 (VCV003056564.2), dbSNP rs73594420, ClinGen allele CA9389360.

ClinVar aggregate classification (germline): Benign (0 of 4 stars; one submission).

Conditions:
PRODH2-related disorder. Also called: PRODH2-related condition.

Allele frequency attached by ClinVar (database versions not stated): gnomAD exomes 0.01110; ExAC 0.04795; gnomAD 0.08714; ESP Exome Variant Server 0.09104; TOPMed 0.09847; 1000 Genomes Project 0.10723; 1000 Genomes Project 30x 0.11009.
gnomAD v4.1: 29,630 of 1,550,230 alleles (1.9%); highest among the groups gnomAD compares: African/African-American, 29%; 3,316 homozygotes.

Submission:

PreventionGenetics, part of Exact Sciences
Classification: Benign for PRODH2-related condition. Last evaluated: 2019-11-26. Review status: no assertion criteria provided. Collection method: clinical testing. Allele origin: germline.
Comment: This variant is classified as benign based on ACMG/AMP sequence variant interpretation guidelines (Richards et al. 2015 PMID: 25741868, with internal and published modifications).